The following is an entry in ClinVar:

ClinVar aggregate classification (germline): Uncertain significance (1 of 4 stars; one submission).

Conditions:
Hypophosphatasia. Also called: Phosphoethanol-aminuria. Identifiers: Orphanet 436, MedGen C0020630, MeSH D007014, MONDO:0018570.

Submission:

Genomenon, Inc
Classification: Uncertain significance for Hypophosphatasia. Last evaluated: 2025-08-29. Review status: criteria provided, single submitter. Criteria: Genomenon Sequence Variant Interpretation Standards. Collection method: curation. Allele origin: germline. Affected: yes.
Comment: ALPL c.1199C>T is a missense variant that changes the amino acid at residue 400 from Proline to Leucine. This variant has been observed in at least one proband affected with hypophosphatasia (PMID:17253930). It is absent or not present at a significant frequency in gnomAD. In silico models agree that this variant is possibly or probably damaging. In conclusion, we classify ALPL p.Pro400Leu (c.1199C>T) as a variant of unknown significance.

Literature cited by the submitters: PubMed 17253930.

NM_000478.6(ALPL):c.1199C>T (p.Pro400Leu)

Gene: ALPL (alkaline phosphatase, biomineralization associated; plus strand). Cytogenetic location: 1p36.12.
Variant type: single nucleotide variant.
Coding change: c.1199C>T on transcript NM_000478.6 (MANE Select); coding-DNA position 1199, C replaced by T.
Protein change: p.Pro400Leu; replaces proline 400 with leucine.
Molecular consequence: missense variant.
Genome position (GRCh38, 1-based): chr1:21,576,531, C>T. VCF-style: chr1-21576531-C-T. GRCh37 (hg19) VCF-style: chr1-21903024-C-T.
Other names: c.1034C>T, p.Pro345Leu (NM_001127501.4); c.968C>T, p.Pro323Leu (NM_001177520.3); c.1199C>T, p.Pro400Leu (NM_001369803.2, NM_001369804.2, NM_001369805.2); short protein forms P323L, P345L, P400L.
Identifiers: ClinVar variation 4086876 (VCV004086876.1).
Genomic context (GRCh38, chr1:21,576,531, plus strand): 5'-CTGTACTCCTGGGGCCCCAGCATGACCCCTGAACACCCCCTCCCTGTGCAGGTCTGGCCC[C>T]CATGCTGAGTGACACAGACAAGAAGCCCTTCACTGCCATCCTGTATGGCAATGGGCCTGG-3'
Protein context (NP_000469.3, residues 390-410): PRGNSIFGLA[Pro400Leu]MLSDTDKKPF